The following is an entry in ClinVar:

ClinVar aggregate classification (germline): Uncertain significance. Review status: criteria provided, single submitter (1 of 4 stars). 2 submissions from 2 submitters: Uncertain significance (1). 1 of the submissions does not count toward it. Last evaluated 2022-10-28.

Conditions:
Congenital disorder of glycosylation, type Iaa. Also called: Congenital disorder of glycosylation, type 1aa. Identifiers: MedGen C4310727, MONDO:0014904, OMIM 617082.
NUS1-related disorder. Also called: NUS1-related condition; NUS1-Related Disorders. Identifiers: MedGen CN382504, MONDO:1060287.

Submissions (2):

Labcorp Genetics (formerly Invitae), Labcorp
Classification: Uncertain significance for Congenital disorder of glycosylation, type Iaa. Last evaluated: 2022-10-28. Review status: criteria provided, single submitter. Criteria: Invitae Variant Classification Sherloc (09022015). Collection method: clinical testing. Allele origin: germline.
Comment: In summary, the available evidence is currently insufficient to determine the role of this variant in disease. Therefore, it has been classified as a Variant of Uncertain Significance. This variant disrupts a region of the NUS1 protein in which other variant(s) (p.Gly3Arg) have been observed in individuals with NUS1-related conditions (Invitae). This suggests that this is a clinically significant region of the protein, and that variants that disrupt it are likely to be disease-causing. Experimental studies and prediction algorithms are not available or were not evaluated, and the functional significance of this variant is currently unknown. This variant has not been reported in the literature in individuals affected with NUS1-related conditions. This variant is not present in population databases (gnomAD no frequency). This sequence change affects the initiator methionine of the NUS1 mRNA. The next in-frame methionine is located at codon 85.

PreventionGenetics, part of Exact Sciences
Classification: Likely pathogenic for NUS1-related condition. Last evaluated: 2024-01-03. Review status: no assertion criteria provided. Collection method: clinical testing. Allele origin: germline. Not counted in ClinVar's aggregate classification.
Comment: The NUS1 c.3G>A variant is predicted to disrupt the translation initiation site (Start loss). To our knowledge, this variant has not been reported in the literature or in a large population database, indicating this variant is rare. Truncating variants in exon 1 of this gene have been widely reported to be pathogenic for neurodevelopmental disorders (see for example, Table S1 of Schobers et al. 2022. PubMed ID: 35710456; Zhang et al. 2021. PubMed ID: 34532305; Araki et al. 2020. PubMed ID: 32485575; Hamdan et al. 2017. PubMed ID: 29100083; Human Gene Mutation Database). This start loss variant is interpreted as likely pathogenic.

NM_138459.5(NUS1):c.3G>A (p.Met1Ile)

Gene: NUS1 (NUS1 dehydrodolichyl diphosphate synthase subunit; plus strand). Cytogenetic location: 6q22.1.
Variant type: single nucleotide variant.
Coding change: c.3G>A on transcript NM_138459.5 (MANE Select); coding-DNA position 3, G replaced by A.
Protein change: p.Met1Ile; changes the start codon (methionine 1).
Molecular consequence: missense variant, initiator codon variant.
Genome position (GRCh38, 1-based): chr6:117,675,673, G>A. VCF-style: chr6-117675673-G-A. GRCh37 (hg19) VCF-style: chr6-117996836-G-A.
Other names: c.3G>A (NM_138459.3); short protein forms M1I.
Identifiers: ClinVar variation 2810386 (VCV002810386.5), dbSNP rs2481982177, ClinGen allele CA365535695.